The following is an entry in ClinVar:

NM_032444.4(SLX4):c.1054C>T (p.His352Tyr)

Gene: SLX4 (SLX4 structure-specific endonuclease subunit; minus strand). Cytogenetic location: 16p13.3.
Variant type: single nucleotide variant.
Coding change: c.1054C>T on transcript NM_032444.4 (MANE Select); coding-DNA position 1054, C replaced by T.
Protein change: p.His352Tyr; replaces histidine 352 with tyrosine.
Molecular consequence: missense variant.
Genome position (GRCh38, 1-based): chr16:3,601,088, G>A on the plus strand (C>T on the coding strand, the complement: SLX4 is on the minus strand). VCF-style: chr16-3601088-G-A. GRCh37 (hg19) VCF-style: chr16-3651089-G-A.
Other names: short protein forms H352Y.
Identifiers: ClinVar variation 1481402 (VCV001481402.9), dbSNP rs1247465227, ClinGen allele CA394531680.

ClinVar aggregate classification (germline): Uncertain significance. Review status: criteria provided, multiple submitters, no conflicts (2 of 4 stars). 2 submissions from 2 submitters: Uncertain significance (2). Last evaluated 2022-04-05.

Conditions:
Fanconi anemia (FA). Also called: Fanconi's anemia. Identifiers: Orphanet 84, MedGen C0015625, MeSH D005199, MONDO:0019391.
Fanconi anemia complementation group P. Also called: SLX4-Related Fanconi Anemia. Identifiers: Orphanet 84, MedGen C3469542, MONDO:0013499, OMIM 613951.

Allele frequency attached by ClinVar (database versions not stated): gnomAD 0.00001; TOPMed 0.00001.

Submissions (2):

Fulgent Genetics
Classification: Uncertain significance for Fanconi anemia complementation group P. Last evaluated: 2022-04-05. Review status: criteria provided, single submitter. Criteria: ACMG Guidelines, 2015. Collection method: clinical testing. Allele origin: unknown.

Labcorp Genetics (formerly Invitae), Labcorp
Classification: Uncertain significance for Fanconi anemia. Last evaluated: 2022-01-18. Review status: criteria provided, single submitter. Criteria: Invitae Variant Classification Sherloc (09022015). Collection method: clinical testing. Allele origin: germline.
Comment: In summary, the available evidence is currently insufficient to determine the role of this variant in disease. Therefore, it has been classified as a Variant of Uncertain Significance. Algorithms developed to predict the effect of missense changes on protein structure and function are either unavailable or do not agree on the potential impact of this missense change (SIFT: "Deleterious"; PolyPhen-2: "Probably Damaging"; Align-GVGD: "Class C0"). This variant has not been reported in the literature in individuals affected with SLX4-related conditions. This variant is present in population databases (no rsID available, gnomAD 0.007%). This sequence change replaces histidine, which is basic and polar, with tyrosine, which is neutral and polar, at codon 352 of the SLX4 protein (p.His352Tyr).